The following is an entry in ClinVar:

ClinVar aggregate classification (germline): Conflicting classifications of pathogenicity. Review status: criteria provided, conflicting classifications (1 of 4 stars). 2 submissions from 2 submitters: Pathogenic (1); Uncertain significance (1). Last evaluated 2018-11-23.

Conditions:
Chromosome 2q32-q33 deletion syndrome (GLASS). Also called: Glass syndrome; 2q33.1 deletion syndrome. Identifiers: Orphanet 251019, MedGen C2676739, MONDO:0012864, OMIM 612313.

Submissions (2):

GeneDx
Classification: Pathogenic. Last evaluated: 2018-11-23. Review status: criteria provided, single submitter. Criteria: GeneDx Variant Classification (06012015). Collection method: clinical testing. Allele origin: germline. Affected: yes.
Comment: The W225X nonsense variant in the SATB2 gene is predicted to cause loss of normal protein function either through protein truncation or nonsense-mediated mRNA decay. The W225X variant is not observed in large population cohorts (Lek et al., 2016).

Dr Meenakshi Bhat Group, Centre for Human Genetics
Classification: Uncertain significance for Chromosome 2q32-q33 deletion syndrome. Last evaluated: 2017-08-15. Review status: criteria provided, single submitter. Criteria: ACMG Guidelines, 2013. Collection method: clinical testing. Allele origin: de novo. Inheritance: Sporadic. Affected: yes. Observed: 1 variant allele, 1 heterozygote.
Comment: The heterozygous nonsense variant [c.674G>A; p.Trp225*] in the exon 6 of the SATB2 gene. Stop gain mutation leads to loss of normal protein function through early truncation and hence this mutation could be the likely cause of clinical condition.

NM_001172509.2(SATB2):c.674G>A (p.Trp225Ter)

Gene: SATB2 (SATB homeobox 2; minus strand). Cytogenetic location: 2q33.1.
Variant type: single nucleotide variant.
Coding change: c.674G>A on transcript NM_001172509.2 (MANE Select); coding-DNA position 674, G replaced by A.
Protein change: p.Trp225Ter; replaces tryptophan 225 with a stop codon.
Molecular consequence: nonsense.
Genome position (GRCh38, 1-based): chr2:199,368,631, C>T on the plus strand (G>A on the coding strand, the complement: SATB2 is on the minus strand). VCF-style: chr2-199368631-C-T. GRCh37 (hg19) VCF-style: chr2-200233354-C-T.
Other names: c.674G>A, p.Trp225Ter (NM_001172517.1, NM_015265.4); short protein forms W225*.
Identifiers: ClinVar variation 437864 (VCV000437864.2), dbSNP rs1553493553, ClinGen allele CA350387270.
Genomic context (GRCh38, chr2:199,368,631, plus strand): 5'-AAAACAGGCTTTACAAACAAAAAAGTCAGTTTACCTTTAATCTTCTTGTACTTTTTATAC[C>T]ATCTCCCAAACTCCTGGCACTTGGTTGCTGACACATTGGCATAATATGTGCTATTTACAA-3'